The following is an entry in ClinVar:

NM_001204.7(BMPR2):c.759_762del (p.His254fs)

Gene: BMPR2 (bone morphogenetic protein receptor type 2; plus strand). Cytogenetic location: 2q33.2.
Variant type: Deletion.
Coding change: c.759_762del on transcript NM_001204.7 (MANE Select); coding-DNA positions 759 to 762, 4 bases deleted (ACAT; older notation c.759_762delACAT).
Protein change: p.His254fs; shifts the reading frame from histidine 254.
Molecular consequence: frameshift variant.
Genome position (GRCh38, 1-based): chr2:202,518,959-202,518,962, ACAT deleted. VCF-style (leftmost placement, unchanged base first): chr2-202518958-AACAT-A. GRCh37 (hg19) VCF-style: chr2-203383681-AACAT-A.
Other names: short protein forms H254fs.
Identifiers: ClinVar variation 3722386 (VCV003722386.2).

ClinVar aggregate classification (germline): Pathogenic (1 of 4 stars; one submission).

Conditions:
Primary pulmonary hypertension. Also called: Idiopathic pulmonary hypertension. Identifiers: MedGen C0152171.

Submission:

Labcorp Genetics (formerly Invitae), Labcorp
Classification: Pathogenic for Primary pulmonary hypertension. Last evaluated: 2024-10-07. Review status: criteria provided, single submitter. Criteria: Invitae Variant Classification Sherloc (09022015). Collection method: clinical testing. Allele origin: germline.
Comment: This sequence change creates a premature translational stop signal (p.His254Thrfs*7) in the BMPR2 gene. It is expected to result in an absent or disrupted protein product. Loss-of-function variants in BMPR2 are known to be pathogenic (PMID: 16429395). This variant is not present in population databases (gnomAD no frequency). This variant has not been reported in the literature in individuals affected with BMPR2-related conditions. For these reasons, this variant has been classified as Pathogenic.

Literature cited by the submitters: PubMed 16429395.